The following is an entry in ClinVar:

NM_004612.4(TGFBR1):c.764G>A (p.Arg255His)

Gene: TGFBR1 (transforming growth factor beta receptor 1; plus strand). Cytogenetic location: 9q22.33.
Variant type: single nucleotide variant.
Coding change: c.764G>A on transcript NM_004612.4 (MANE Select); coding-DNA position 764, G replaced by A.
Protein change: p.Arg255His; replaces arginine 255 with histidine.
Molecular consequence: missense variant. On other transcripts: non-coding transcript variant (4), intron variant (2).
Genome position (GRCh38, 1-based): chr9:99,138,048, G>A. VCF-style: chr9-99138048-G-A. GRCh37 (hg19) VCF-style: chr9-101900330-G-A.
Other names: c.533G>A, p.Arg178His (NM_001130916.3); c.776G>A, p.Arg259His (NM_001306210.2, NM_001407416.1); c.764G>A, p.Arg255His (NM_001407417.1); c.569G>A, p.Arg190His (NM_001407418.1, NM_001407419.1, NM_001407420.1 and 1 more transcripts); c.557G>A, p.Arg186His (NM_001407423.1, NM_001407424.1, NM_001407425.1 and 8 more transcripts); c.518G>A, p.Arg173His (NM_001407436.1); c.287G>A, p.Arg96His (NM_001407438.1); c.575-4488G>A (NM_001407435.1); and 1 more; short protein forms R186H, R173H, R259H, R178H, R255H, R190H, R96H.
Identifiers: ClinVar variation 3730903 (VCV003730903.1).

ClinVar aggregate classification (germline): Uncertain significance (1 of 4 stars; one submission).

Submission:

GeneDx
Classification: Uncertain significance. Last evaluated: 2024-08-17. Review status: criteria provided, single submitter. Criteria: GeneDx Variant Classification Process June 2021. Collection method: clinical testing. Allele origin: germline. Affected: yes.
Comment: Not observed at significant frequency in large population cohorts (gnomAD); In silico analysis supports that this missense variant has a deleterious effect on protein structure/function; Has not been previously published as pathogenic or benign to our knowledge